The following is an entry in ClinVar:

ClinVar aggregate classification (germline): Uncertain significance. Review status: criteria provided, multiple submitters, no conflicts (2 of 4 stars). 3 submissions from 3 submitters: Uncertain significance (3). Last evaluated 2024-09-30.

Conditions:
Hereditary cancer-predisposing syndrome. Also called: Hereditary Cancer Syndrome; Neoplastic Syndromes, Hereditary; Tumor predisposition; Hereditary neoplastic syndrome. Identifiers: Orphanet 140162, MedGen C0027672, MeSH D009386, MONDO:0015356.
BAP1-related tumor predisposition syndrome (TPDS1). Also called: Tumor susceptibility linked to germline BAP1 mutations; BAP1 tumor predisposition syndrome; COMMON Syndrome; TUMOR PREDISPOSITION SYNDROME 1. Identifiers: Orphanet 289539, MedGen C3280492, MONDO:0013692, OMIM 614327.

Allele frequency attached by ClinVar (database versions not stated): gnomAD exomes below 0.00001.
gnomAD v4.1: 1 of 1,614,160 alleles (0.000062%); highest among the groups gnomAD compares: South Asian, 0.0011%; no homozygotes.

Submissions (3):

Labcorp Genetics (formerly Invitae), Labcorp
Classification: Uncertain significance for BAP1-related tumor predisposition syndrome. Last evaluated: 2024-09-30. Review status: criteria provided, single submitter. Criteria: Invitae Variant Classification Sherloc (09022015). Collection method: clinical testing. Allele origin: germline.
Comment: This sequence change replaces glutamine, which is neutral and polar, with lysine, which is basic and polar, at codon 393 of the BAP1 protein (p.Gln393Lys). This variant is present in population databases (no rsID available, gnomAD 0.003%). This variant has not been reported in the literature in individuals affected with BAP1-related conditions. ClinVar contains an entry for this variant (Variation ID: 490778). Invitae Evidence Modeling of protein sequence and biophysical properties (such as structural, functional, and spatial information, amino acid conservation, physicochemical variation, residue mobility, and thermodynamic stability) indicates that this missense variant is not expected to disrupt BAP1 protein function with a negative predictive value of 80%. In summary, the available evidence is currently insufficient to determine the role of this variant in disease. Therefore, it has been classified as a Variant of Uncertain Significance.

Ambry Genetics
Classification: Uncertain significance for Hereditary cancer-predisposing syndrome. Last evaluated: 2024-05-10. Review status: criteria provided, single submitter. Criteria: Ambry Variant Classification Scheme 2023. Collection method: clinical testing. Allele origin: germline.
Comment: The p.Q393K variant (also known as c.1177C>A), located in coding exon 12 of the BAP1 gene, results from a C to A substitution at nucleotide position 1177. The glutamine at codon 393 is replaced by lysine, an amino acid with similar properties. This amino acid position is conserved. In addition, this alteration is predicted to be tolerated by in silico analysis. Based on the available evidence, the clinical significance of this variant remains unclear.

Color Diagnostics, LLC DBA Color Health
Classification: Uncertain significance for Hereditary cancer-predisposing syndrome. Last evaluated: 2023-12-05. Review status: criteria provided, single submitter. Criteria: ACMG Guidelines, 2015. Collection method: clinical testing. Allele origin: germline.
Comment: This missense variant replaces glutamine with lysine at codon 393 of the BAP1 protein. Computational prediction suggests that this variant may not impact protein structure and function (internally defined REVEL score threshold <= 0.5, PMID: 27666373). To our knowledge, functional studies have not been reported for this variant. This variant has not been reported in individuals affected with BAP1-related disorders in the literature. This variant has been identified in 1/248212 chromosomes in the general population by the Genome Aggregation Database (gnomAD). The available evidence is insufficient to determine the role of this variant in disease conclusively. Therefore, this variant is classified as a Variant of Uncertain Significance.

NM_004656.4(BAP1):c.1177C>A (p.Gln393Lys)

Gene: BAP1 (BRCA1 associated deubiquitinase 1; minus strand). Cytogenetic location: 3p21.1.
Variant type: single nucleotide variant.
Coding change: c.1177C>A on transcript NM_004656.4 (MANE Select); coding-DNA position 1177, C replaced by A.
Protein change: p.Gln393Lys; replaces glutamine 393 with lysine.
Molecular consequence: missense variant.
Genome position (GRCh38, 1-based): chr3:52,404,526, G>T on the plus strand (C>A on the coding strand, the complement: BAP1 is on the minus strand). VCF-style: chr3-52404526-G-T. GRCh37 (hg19) VCF-style: chr3-52438542-G-T.
Other names: c.1177C>A (NM_004656.2); short protein forms Q393K.
Identifiers: ClinVar variation 490778 (VCV000490778.14), dbSNP rs878874989, ClinGen allele CA353103190.